The following is an entry in ClinVar:

ClinVar aggregate classification (germline): Benign. Review status: criteria provided, multiple submitters, no conflicts (2 of 4 stars). 4 submissions from 4 submitters: Benign (3). 1 of the submissions does not count toward it. Last evaluated 2026-02-03.

Conditions:
PKD1L1-related disorder. Also called: PKD1L1-related condition.

Allele frequency attached by ClinVar (database versions not stated): ESP Exome Variant Server 0.11033; TOPMed 0.12044; 1000 Genomes Project 30x 0.14428; 1000 Genomes Project 0.14617.
gnomAD v4.1: 180,568 of 1,611,678 alleles (11%); highest among the groups gnomAD compares: East Asian, 24%; 11,097 homozygotes.

Submissions (4):

Labcorp Genetics (formerly Invitae), Labcorp
Classification: Benign. Last evaluated: 2026-02-03. Review status: criteria provided, single submitter. Criteria: Invitae Variant Classification Sherloc (09022015). Collection method: clinical testing. Allele origin: germline.

GeneDx
Classification: Benign. Last evaluated: 2018-11-12. Review status: criteria provided, single submitter. Criteria: GeneDx Variant Classification Process June 2021. Collection method: clinical testing. Allele origin: germline. Affected: yes.

Breakthrough Genomics
Classification: Benign. Review status: criteria provided, single submitter. Criteria: ACMG Guidelines, 2015. Collection method: not provided. Allele origin: germline. Inheritance: Autosomal recessive inheritance. Affected: yes.

PreventionGenetics, part of Exact Sciences
Classification: Benign for PKD1L1-related condition. Last evaluated: 2019-06-17. Review status: no assertion criteria provided. Collection method: clinical testing. Allele origin: germline. Not counted in ClinVar's aggregate classification.
Comment: This variant is classified as benign based on ACMG/AMP sequence variant interpretation guidelines (Richards et al. 2015 PMID: 25741868, with internal and published modifications).

NM_138295.5(PKD1L1):c.426C>T (p.Ile142=)

Gene: PKD1L1 (polycystin 1 like 1, transient receptor potential channel interacting; minus strand). Cytogenetic location: 7p12.3.
Variant type: single nucleotide variant.
Coding change: c.426C>T on transcript NM_138295.5 (MANE Select); coding-DNA position 426, C replaced by T.
Protein change: p.Ile142=; no amino-acid change (isoleucine 142 retained).
Molecular consequence: synonymous variant.
Genome position (GRCh38, 1-based): chr7:47,932,029, G>A on the plus strand (C>T on the coding strand, the complement: PKD1L1 is on the minus strand). VCF-style: chr7-47932029-G-A. GRCh37 (hg19) VCF-style: chr7-47971626-G-A.
Identifiers: ClinVar variation 1229064 (VCV001229064.11), dbSNP rs885338, ClinGen allele CA4254354.
Genomic context (GRCh38, chr7:47,932,029, plus strand): 5'-CCCAGTAGCACACAGCCGCCTGTGATGGAACCTGGGGCCACCACTGCTCCAGGCCCTTGC[G>A]ATTATAATGAAAGGTTTGTGGGGAATTCTGTATGGGAAGGAAAGTGCAGAAAGAAAAGGA-3'
Protein context (NP_612152.1, residues 132-152): DRIPHKPFII[Ile142=]ARAWSSGGPR